The following is an entry in ClinVar:

NM_031942.5(CDCA7):c.1118del (p.Gly373fs)

Gene: CDCA7 (cell division cycle associated 7; plus strand). Cytogenetic location: 2q31.1.
Variant type: Deletion.
Coding change: c.1118del on transcript NM_031942.5 (MANE Select); coding-DNA position 1118, one base deleted (G; older notation c.1118delG).
Protein change: p.Gly373fs; shifts the reading frame from glycine 373.
Molecular consequence: frameshift variant.
Genome position (GRCh38, 1-based): chr2:173,366,365, G deleted; the last of 2 consecutive G bases (chr2:173,366,364-173,366,365); deleting either gives the same sequence. VCF-style (leftmost placement, unchanged base first): chr2-173366363-AG-A. GRCh37 (hg19) VCF-style: chr2-174231091-AG-A.
Other names: G294V; c.881del, p.Gly294fs (NM_145810.3); short protein forms G373fs, G294fs.
Identifiers: ClinVar variation 225530 (VCV000225530.3), dbSNP rs876657409, ClinGen allele CA10576026.
Genomic context (GRCh38, chr2:173,366,363, plus strand): 5'-CCGTCAGAAGACTATTGATACCAAAACAAACTGCAGAAACCCAGACTGCTGGGGCGTTCG[AG>A]GCCAGTTCTGTGGCCCCTGCCTTCGAAACCGTTATGGTGAAGAGGTCAGGGATGCTCTGC-3'

ClinVar aggregate classification (germline): no classifications from unflagged records (0 of 4 stars; one submission).

Conditions:
Immunodeficiency-centromeric instability-facial anomalies syndrome 3 (ICF3). Identifiers: Orphanet 2268, MedGen C4310799, MONDO:0014828, OMIM 616910.

Submission:

OMIM
Classification: Pathogenic for IMMUNODEFICIENCY-CENTROMERIC INSTABILITY-FACIAL ANOMALIES SYNDROME 3. Last evaluated: 2019-04-05. Review status: flagged submission. Collection method: literature only. Allele origin: germline.
ClinVar note: Notes: Flagging candidate with reason of insufficient supporting evidence. This gene has been classified as having a limited gene-disease relationship by a ClinGen Expert Panel.
ClinVar note: Reason: P/LP classification for a variant in a gene with insufficient evidence for a gene-disease relationship

Literature cited by the submitters: PubMed 26216346.